The following is an entry in ClinVar:

ClinVar aggregate classification (germline): Likely pathogenic (1 of 4 stars; one submission).

Conditions:
Pyridoxine-dependent epilepsy (EPEO4). Also called: PYRIDOXINE DEPENDENCY WITH SEIZURES; Pyridoxine-Dependent Seizures; EPILEPSY, EARLY-ONSET, 4, VITAMIN B6-DEPENDENT; Pyridoxine-Dependent Epilepsy - ALDH7A1. Identifiers: Orphanet 3006, MedGen C1849508, MONDO:0009945, OMIM 266100. Disease mechanism: loss of function.

Submission:

Labcorp Genetics (formerly Invitae), Labcorp
Classification: Likely pathogenic for Pyridoxine-dependent epilepsy. Last evaluated: 2023-04-18. Review status: criteria provided, single submitter. Criteria: Invitae Variant Classification Sherloc (09022015). Collection method: clinical testing. Allele origin: germline.
Comment: In summary, the currently available evidence indicates that the variant is pathogenic, but additional data are needed to prove that conclusively. Therefore, this variant has been classified as Likely Pathogenic. This variant has not been reported in the literature in individuals affected with ALDH7A1-related conditions. This variant results in the deletion of part of exon 1 (c.39_192+517del) of the ALDH7A1 gene. It is expected to disrupt RNA splicing. Variants that disrupt the donor or acceptor splice site typically lead to a loss of protein function (PMID: 16199547), and loss-of-function variants in ALDH7A1 are known to be pathogenic (PMID: 16491085, 20554659).

Literature cited by the submitters: PubMed 16199547; PubMed 16491085; PubMed 20554659.

NM_001182.5(ALDH7A1):c.39_192+517del

Gene: ALDH7A1 (aldehyde dehydrogenase 7 family member A1; minus strand). Cytogenetic location: 5q23.2.
Variant type: Deletion.
Coding change: c.39_192+517del on transcript NM_001182.5 (MANE Select); coding-DNA position 39 through 517 bases into the intron after coding-DNA position 192, 671 bases deleted.
Molecular consequence: splice donor variant. On other transcripts: initiator codon variant (1).
Genome position (GRCh38, 1-based): chr5:126,594,490-126,595,160, 671 bases deleted. GRCh37 (hg19): chr5:125,930,184-125,930,854.
Other names: c.39_192+517del (NM_001202404.2); c.-46_108+517del (NM_001201377.2).
Identifiers: ClinVar variation 2857467 (VCV002857467.3), dbSNP rs2480370579, ClinGen allele CA2739275014.